The following is an entry in ClinVar:

NM_001393769.1(MED12L):c.4690A>G (p.Met1564Val)

Genes: MED12L (mediator complex subunit 12L; plus strand), P2RY12 (purinergic receptor P2Y12; minus strand). Cytogenetic location: 3q25.1.
Variant type: single nucleotide variant.
Coding change: c.4690A>G on transcript NM_001393769.1 (MANE Select); coding-DNA position 4690, A replaced by G.
Protein change: p.Met1564Val; replaces methionine 1564 with valine.
Molecular consequence: missense variant. On other transcripts: intron variant (1).
Genome position (GRCh38, 1-based): chr3:151,383,788, A>G. VCF-style: chr3-151383788-A-G. GRCh37 (hg19) VCF-style: chr3-151101576-A-G.
Other names: c.4585A>G, p.Met1529Val (NM_053002.6); c.-180+904T>C (NM_022788.5); short protein forms M1529V, M1564V.
Identifiers: ClinVar variation 4086468 (VCV004086468.1).

ClinVar aggregate classification (germline): Uncertain significance (1 of 4 stars; one submission).

gnomAD v4.1: 1 of 1,610,310 alleles (0.000062%); highest among the groups gnomAD compares: Non-Finnish European, 0.000085%; no homozygotes.

Submission:

GeneDx
Classification: Uncertain significance. Last evaluated: 2025-03-20. Review status: criteria provided, single submitter. Criteria: GeneDx Variant Classification Process June 2021. Collection method: clinical testing. Allele origin: germline. Affected: yes.
Comment: Not observed at significant frequency in large population cohorts (gnomAD); In silico analysis supports that this missense variant has a deleterious effect on protein structure/function; Has not been previously published as pathogenic or benign to our knowledge